The following is an entry in ClinVar:

NM_000330.4(RS1):c.643G>C (p.Glu215Gln)

Genes: CDKL5 (cyclin dependent kinase like 5; plus strand), RS1 (retinoschisin 1; minus strand). Cytogenetic location: Xp22.13.
Variant type: single nucleotide variant.
Coding change: c.643G>C on transcript NM_000330.4 (MANE Select); coding-DNA position 643, G replaced by C.
Protein change: p.Glu215Gln; replaces glutamic acid 215 with glutamine.
Molecular consequence: missense variant. On other transcripts: intron variant (2).
Genome position (GRCh38, 1-based): chrX:18,642,036, C>G on the plus strand (G>C on the coding strand, the complement: RS1 is on the minus strand). VCF-style: chrX-18642036-C-G. GRCh37 (hg19) VCF-style: chrX-18660156-C-G.
Other names: NM_000330.4(RS1):c.643G>C; c.2714-3971C>G (NM_003159.3, NM_001037343.2); short protein forms E215Q.
Identifiers: ClinVar variation 99013 (VCV000099013.6), dbSNP rs281865367, ClinGen allele CA226837.

ClinVar aggregate classification (germline): Pathogenic. Review status: reviewed by expert panel (3 of 4 stars). 4 submissions from 4 submitters: Pathogenic (1). 3 of the submissions do not count toward it. Last evaluated 2026-09-26.

Conditions:
RS1-related disorder. Also called: RS1-related condition.
Retinal dystrophy. Also called: Inherited retinal dystrophy. Identifiers: Orphanet 71862, MedGen C0854723, MeSH D058499, MONDO:0019118, HP:0000556.
Juvenile retinoschisis (RS1). Also called: X-Linked Juvenile Retinoschisis; X-linked retinoschisis. Identifiers: Orphanet 792, MedGen C3714753, MONDO:0010725, OMIM 312700.

Submissions (4):

ClinGen X-linked Inherited Retinal Disease Variant Curation Expert Panel, ClinGen
Classification: Pathogenic for Juvenile retinoschisis. Last evaluated: 2026-09-26. Review status: reviewed by expert panel. Criteria: ClinGen X LinkedIRD ACMG Specifications RS1 V1.0.0. Collection method: curation. Allele origin: germline. Inheritance: X-linked inheritance.
Comment: The NM_000330.4(RS1):c.643G>C (p.Glu215Gln) variant is a missense variant encoding the substitution of Glutamic acid and Glutamine at amino acid 215. This variant is absent from hemizygous individuals in gnomAD v4.1.0 (PM2_Supporting). The computational predictor REVEL gives a score of 0.965, which is above the ClinGen X-linked IRD VCEP threshold of >0.932 and predicts a damaging effect on RS1 function (PP3_strong). The computational splicing predictor SpliceAI gives a delta score of 0.00 for all predictive splice changes, which is below the ClinGen X-linked IRD VCEP threshold of >0.2 and does not predict that the variant disrupts RS1 splicing. Transient Expression in 293 Cells harboring the variant exhibit loss of RS1, showed markedly reduced Tyrosine phosphorylation compared with the wild type, and showed reduced kinase activation but increased collagen binding (PMID: 11598108, PS3_Supporting). At least one proband harboring this variant exhibits the following phenotypes, including the appearance of schisis and reduced visual acuity before age 13 years, which together are specific for X-linked retinoschisis (PMID: 19324861, 9618178, PP4). This variant has been reported in at least 1 proband meeting one of the PS4 requirements of a male diagnosed with XLRS, as well as a second apparently unrelated proband previously used for the PP4 code (PMIDs: 39462066, PS4_Supporting). The variant has been reported to segregate with retinal dystrophy through >3 meioses in one family (PP1_Strong; PMID: 19324861). In summary, this variant is classified as pathogenic for X-linked retinoschisis based on the ClinGen X-linked Inherited Retinal Disease Expert Panel Specifications to the ACMG/AMP Variant Interpretation Guidelines for RS1 Version 1.0.0: PM2_Supporting, PP3_Strong, PS3_Supporting, PP4, PS4_Supporting, and PP1_Strong.

Blueprint Genetics
Classification: Pathogenic for RS1-related disorders. Last evaluated: 2021-03-16. Review status: criteria provided, single submitter. Criteria: ACMG Guidelines, 2015. Collection method: clinical testing. Allele origin: germline. Affected: yes. Observed: 3 variant alleles. Not counted in ClinVar's aggregate classification.

Institute of Human Genetics, Univ. Regensburg, Univ. Regensburg
Classification: Likely pathogenic for Retinal dystrophy. Last evaluated: 2017-01-01. Review status: criteria provided, single submitter. Criteria: ACMG Guidelines, 2015. Collection method: clinical testing. Allele origin: germline. Affected: yes. Not counted in ClinVar's aggregate classification.

Retina International
No classification provided. Review status: no classification provided. Collection method: not provided. Allele origin: unknown. Not counted in ClinVar's aggregate classification.

Literature cited by the submitters: PubMed 9618178 (cited by Institute of Human Genetics, Univ. Regensburg, Univ. Regensburg).